The following is an entry in ClinVar:

ClinVar aggregate classification (germline): Benign. Review status: criteria provided, multiple submitters, no conflicts (2 of 4 stars). 2 submissions from 2 submitters: Benign (2). Last evaluated 2024-01-24.

Allele frequency attached by ClinVar (database versions not stated): 1000 Genomes Project 0.39437; TOPMed 0.44191; ESP Exome Variant Server 0.45712; ExAC 0.45918; gnomAD exomes 0.48928; 1000 Genomes Project 30x 0.39225; gnomAD 0.45541.
gnomAD v4.1: 783,870 of 1,613,852 alleles (49%); highest among the groups gnomAD compares: Non-Finnish European, 51%; 193,939 homozygotes.

Submissions (2):

Unidad de Genómica Garrahan, Hospital de Pediatría Garrahan
Classification: Benign. Last evaluated: 2024-01-24. Review status: criteria provided, single submitter. Criteria: ACMG Guidelines, 2015. Collection method: clinical testing. Allele origin: germline. Affected: no. Observed: 71 variant alleles.
Comment: This variant is classified as Benign based on local population frequency. This variant was detected in 75% of patients studied by a panel of primary immunodeficiencies. Number of patients: 71. Only high quality variants are reported.

Mayo Clinic Laboratories, Mayo Clinic
Classification: Benign. Last evaluated: 2022-09-06. Review status: criteria provided, single submitter. Criteria: ACMG Guidelines, 2015. Collection method: clinical testing. Allele origin: germline. Observed: 67 variant alleles.

NM_006074.5(TRIM22):c.300T>C (p.His100=)

Gene: TRIM22 (tripartite motif containing 22; plus strand). Cytogenetic location: 11p15.4.
Variant type: single nucleotide variant.
Coding change: c.300T>C on transcript NM_006074.5 (MANE Select); coding-DNA position 300, T replaced by C.
Protein change: p.His100=; no amino-acid change (histidine 100 retained).
Molecular consequence: synonymous variant.
Genome position (GRCh38, 1-based): chr11:5,696,532, T>C. VCF-style: chr11-5696532-T-C. GRCh37 (hg19) VCF-style: chr11-5717762-T-C.
Other names: p.His100=; c.300T>C, p.His100= (NM_001199573.2).
Identifiers: ClinVar variation 2687989 (VCV002687989.3), dbSNP rs10838543, ClinGen allele CA5845747.